The following is an entry in ClinVar:

ClinVar aggregate classification (germline): Uncertain significance (1 of 4 stars; one submission).

Conditions:
Neuronal ceroid lipofuscinosis 7 (CLN7). Also called: MFSD8-Related Neuronal Ceroid-Lipofuscinosis. Identifiers: Orphanet 168491, Orphanet 228366, MedGen C1838571, MONDO:0012588, OMIM 610951.

Allele frequency attached by ClinVar (database versions not stated): gnomAD exomes below 0.00001.
gnomAD v4.1: 5 of 1,612,424 alleles (0.00031%); highest among the groups gnomAD compares: Non-Finnish European, 0.00042%; no homozygotes.

Submission:

Labcorp Genetics (formerly Invitae), Labcorp
Classification: Uncertain significance for Neuronal ceroid lipofuscinosis 7. Last evaluated: 2022-09-14. Review status: criteria provided, single submitter. Criteria: Invitae Variant Classification Sherloc (09022015). Collection method: clinical testing. Allele origin: germline.
Comment: This sequence change falls in intron 10 of the MFSD8 gene. It does not directly change the encoded amino acid sequence of the MFSD8 protein. This variant is not present in population databases (gnomAD no frequency). This variant has not been reported in the literature in individuals affected with MFSD8-related conditions. Algorithms developed to predict the effect of sequence changes on RNA splicing suggest that this variant may disrupt the consensus splice site. In summary, the available evidence is currently insufficient to determine the role of this variant in disease. Therefore, it has been classified as a Variant of Uncertain Significance.

NM_001371596.2(MFSD8):c.999-4A>G

Gene: MFSD8 (major facilitator superfamily domain containing 8; minus strand). Cytogenetic location: 4q28.2.
Variant type: single nucleotide variant.
Coding change: c.999-4A>G on transcript NM_001371596.2 (MANE Select); 4 bases into the intron before coding-DNA position 999, A replaced by G.
Molecular consequence: intron variant.
Genome position (GRCh38, 1-based): chr4:127,921,967, T>C on the plus strand (A>G on the coding strand, the complement: MFSD8 is on the minus strand). VCF-style: chr4-127921967-T-C. GRCh37 (hg19) VCF-style: chr4-128843122-T-C.
Other names: c.717-4A>G (NM_001371595.1); c.549-4A>G (NM_001410765.1); c.864-4A>G (NM_001371590.2); c.999-4A>G (NM_152778.4, NM_001371591.2); c.684-4A>G (NM_001363521.3); c.885-196A>G (NM_001410766.1); c.885-4A>G (NM_001371593.2); c.798-4A>G (NM_001363520.3); and 2 more.
Identifiers: ClinVar variation 2175868 (VCV002175868.1), dbSNP rs910246095, ClinGen allele CA105671248.
Genomic context (GRCh38, chr4:127,921,967, plus strand): 5'-AAGAAGCCAACCCATACAACGATGAGTCCTCCCAGTAGAATAGCACGCTCGCCAATCCTG[T>C]TAAAGAACAGAAACTCTGTAATTTTAAAATGAAACATTATAACATAGCTTCATTACTTTC-3'